The following is an entry in ClinVar:

ClinVar aggregate classification (germline): Likely benign. Review status: criteria provided, multiple submitters, no conflicts (2 of 4 stars). 2 submissions from 2 submitters: Likely benign (2). Last evaluated 2025-12-08.

Conditions:
SIX5-related disorder. Also called: SIX5-related condition.

Allele frequency attached by ClinVar (database versions not stated): ExAC 0.00001.
gnomAD v4.1: 5 of 1,612,192 alleles (0.00031%); highest among the groups gnomAD compares: Admixed American, 0.0017%; no homozygotes.

Submissions (2):

PreventionGenetics, part of Exact Sciences
Classification: Likely benign for SIX5-related condition. Last evaluated: 2025-12-08. Review status: criteria provided, single submitter. Criteria: ACMG Guidelines, 2015. Collection method: clinical testing. Allele origin: germline.
Comment: This variant is classified as likely benign based on ACMG/AMP sequence variant interpretation guidelines (Richards et al. 2015 PMID: 25741868, with internal and published modifications).

Labcorp Genetics (formerly Invitae), Labcorp
Classification: Likely benign. Last evaluated: 2023-06-22. Review status: criteria provided, single submitter. Criteria: Invitae Variant Classification Sherloc (09022015). Collection method: clinical testing. Allele origin: germline.

NM_175875.5(SIX5):c.1986G>A (p.Val662=)

Gene: SIX5 (SIX homeobox 5; minus strand). Cytogenetic location: 19q13.32.
Variant type: single nucleotide variant.
Coding change: c.1986G>A on transcript NM_175875.5 (MANE Select); coding-DNA position 1986, G replaced by A.
Protein change: p.Val662=; no amino-acid change (valine 662 retained).
Molecular consequence: synonymous variant.
Genome position (GRCh38, 1-based): chr19:45,765,735, C>T on the plus strand (G>A on the coding strand, the complement: SIX5 is on the minus strand). VCF-style: chr19-45765735-C-T. GRCh37 (hg19) VCF-style: chr19-46268993-C-T.
Other names: c.1986G>A (NM_175875.4).
Identifiers: ClinVar variation 1960469 (VCV001960469.6), dbSNP rs750336843, ClinGen allele CA9520442.